The following is an entry in ClinVar:

ClinVar aggregate classification (germline): Benign/Likely benign. Review status: criteria provided, multiple submitters, no conflicts (2 of 4 stars). 12 submissions from 9 submitters: Benign (8); Likely benign (4). Last evaluated 2026-01-21.

Conditions:
Congenital myopathy 18. Also called: DIHYDROPYRIDINE RECEPTOR CONGENITAL MYOPATHY; DHPR CONGENITAL MYOPATHY; Myopathy, congenital, due to dihydropyridine receptor defect. Identifiers: MedGen C5830283, MONDO:0859514, OMIM 620246.
Thyrotoxic periodic paralysis, susceptibility to, 1 (TTPP1). Identifiers: Orphanet 79102, MedGen C2749982, MONDO:0008570, OMIM 188580.
Malignant hyperthermia, susceptibility to, 5 (MHS5). Also called: CACNA1S-Related Malignant Hyperthermia Susceptibility. Identifiers: Orphanet 423, MedGen C1866077, MONDO:0011163, OMIM 601887.
Hypokalemic periodic paralysis, type 1. Also called: Hypokalemic Periodic Paralysis Type 1 (AD); HypoPP. Identifiers: Orphanet 681, MedGen C3714580, MONDO:0042979, OMIM 170400.

Allele frequency attached by ClinVar (database versions not stated): gnomAD exomes 0.00017 and 0.00040; ExAC 0.00045; TOPMed 0.00158; gnomAD 0.00159 and 0.00170; ESP Exome Variant Server 0.00161; 1000 Genomes Project 30x 0.00187; 1000 Genomes Project 0.00200.
gnomAD v4.1: 492 of 1,612,590 alleles (0.031%); highest among the groups gnomAD compares: African/African-American, 0.6%; 1 homozygote.

Submissions (12):

Labcorp Genetics (formerly Invitae), Labcorp
Classification: Benign for Hypokalemic periodic paralysis, type 1; Malignant hyperthermia, susceptibility to, 5. Last evaluated: 2026-01-21. Review status: criteria provided, single submitter. Criteria: Invitae Variant Classification Sherloc (09022015). Collection method: clinical testing. Allele origin: germline.

Blueprint Genetics
Classification: Likely benign. Last evaluated: 2024-10-22. Review status: criteria provided, single submitter. Criteria: ACMG Guidelines, 2015. Collection method: clinical testing. Allele origin: germline.

CeGaT Center for Human Genetics Tuebingen
Classification: Likely benign. Last evaluated: 2024-04-01. Review status: criteria provided, single submitter. Criteria: CeGaT Center For Human Genetics Tuebingen Variant Classification Criteria Version 2. Collection method: clinical testing. Allele origin: germline. Affected: yes. Observed: 1 variant allele.
Comment: CACNA1S: BP4, BP7

All of Us Research Program, National Institutes of Health
Classification: Benign for Malignant hyperthermia, susceptibility to, 5. Last evaluated: 2024-02-05. Review status: criteria provided, single submitter. Criteria: ACMG Guidelines, 2015. Collection method: clinical testing. Allele origin: germline. Inheritance: Autosomal dominant inheritance. Observed: 83 variant alleles, 83 heterozygotes.
Comment: This study involves interpretation of variants in research participants for the purpose of population health screening. Participant phenotype was not available at the time of variant classification. Additional details can be found in publication PMID: 35346344, PMCID: PMC8962531

Genome-Nilou Lab
Classification: Benign for Malignant hyperthermia, susceptibility to, 5. Last evaluated: 2023-04-11. Review status: criteria provided, single submitter. Criteria: ACMG Guidelines, 2015. Collection method: clinical testing. Allele origin: germline. Affected: no.

Genome-Nilou Lab
Classification: Benign for Thyrotoxic periodic paralysis, susceptibility to, 1. Last evaluated: 2023-04-11. Review status: criteria provided, single submitter. Criteria: ACMG Guidelines, 2015. Collection method: clinical testing. Allele origin: germline. Affected: no.

Genome-Nilou Lab
Classification: Benign for Congenital myopathy 18. Last evaluated: 2023-04-11. Review status: criteria provided, single submitter. Criteria: ACMG Guidelines, 2015. Collection method: clinical testing. Allele origin: germline. Affected: no.

Genome-Nilou Lab
Classification: Benign for Hypokalemic periodic paralysis, type 1. Last evaluated: 2023-04-11. Review status: criteria provided, single submitter. Criteria: ACMG Guidelines, 2015. Collection method: clinical testing. Allele origin: germline. Affected: no.

Color Diagnostics, LLC DBA Color Health
Classification: Benign for Malignant hyperthermia, susceptibility to, 5. Last evaluated: 2022-10-18. Review status: criteria provided, single submitter. Criteria: ACMG Guidelines, 2015. Collection method: clinical testing. Allele origin: germline.

GeneDx
Classification: Likely benign. Last evaluated: 2021-03-10. Review status: criteria provided, single submitter. Criteria: GeneDx Variant Classification Process June 2021. Collection method: clinical testing. Allele origin: germline. Affected: yes.

Athena Diagnostics
Classification: Benign. Last evaluated: 2018-08-24. Review status: criteria provided, single submitter. Criteria: Athena Diagnostics Criteria. Collection method: clinical testing. Allele origin: germline.

PreventionGenetics, part of Exact Sciences
Classification: Likely benign. Review status: criteria provided, single submitter. Criteria: ACMG Guidelines, 2015. Collection method: clinical testing. Allele origin: germline.

NM_000069.3(CACNA1S):c.4686T>C (p.Ile1562=)

Gene: CACNA1S (calcium voltage-gated channel subunit alpha1 S; minus strand). Cytogenetic location: 1q32.1.
Variant type: single nucleotide variant.
Coding change: c.4686T>C on transcript NM_000069.3 (MANE Select); coding-DNA position 4686, T replaced by C.
Protein change: p.Ile1562=; no amino-acid change (isoleucine 1562 retained).
Molecular consequence: synonymous variant.
Genome position (GRCh38, 1-based): chr1:201,044,439, A>G on the plus strand (T>C on the coding strand, the complement: CACNA1S is on the minus strand). VCF-style: chr1-201044439-A-G. GRCh37 (hg19) VCF-style: chr1-201013567-A-G.
Identifiers: ClinVar variation 254840 (VCV000254840.43), dbSNP rs138423302, ClinGen allele CA083535.